The following is an entry in ClinVar:

NM_001123385.2(BCOR):c.1306G>A (p.Val436Ile)

Genes: BCOR (BCL6 corepressor; minus strand), LOC126863239 (MED14-independent group 3 enhancer GRCh37_chrX:39932994-39934193; plus strand). Cytogenetic location: Xp11.4.
Variant type: single nucleotide variant.
Coding change: c.1306G>A on transcript NM_001123385.2 (MANE Select); coding-DNA position 1306, G replaced by A.
Protein change: p.Val436Ile; replaces valine 436 with isoleucine.
Molecular consequence: missense variant.
Genome position (GRCh38, 1-based): chrX:40,074,040, C>T on the plus strand (G>A on the coding strand, the complement: BCOR is on the minus strand). VCF-style: chrX-40074040-C-T. GRCh37 (hg19) VCF-style: chrX-39933293-C-T.
Other names: c.1306G>A, p.Val436Ile (NM_001123383.2, NM_001123384.2, NM_017745.6); short protein forms V436I.
Identifiers: ClinVar variation 3003336 (VCV003003336.3), dbSNP rs960778355, ClinGen allele CA412746807.

ClinVar aggregate classification (germline): Uncertain significance (1 of 4 stars; one submission).

Conditions:
Oculofaciocardiodental syndrome (MCOPS2). Identifiers: Orphanet 2712, MedGen C1846265, MONDO:0010261, OMIM 300166.

gnomAD v4.1: 14 of 1,211,957 alleles (0.0012%); highest among the groups gnomAD compares: Middle Eastern, 0.069%; no homozygotes.

Submission:

Labcorp Genetics (formerly Invitae), Labcorp
Classification: Uncertain significance for Oculofaciocardiodental syndrome. Last evaluated: 2023-08-17. Review status: criteria provided, single submitter. Criteria: Invitae Variant Classification Sherloc (09022015). Collection method: clinical testing. Allele origin: germline.
Comment: An algorithm developed to predict the effect of missense changes on protein structure and function (PolyPhen-2) suggests that this variant is likely to be tolerated. In summary, the available evidence is currently insufficient to determine the role of this variant in disease. Therefore, it has been classified as a Variant of Uncertain Significance. This variant has not been reported in the literature in individuals affected with BCOR-related conditions. This variant is present in population databases (no rsID available, gnomAD 0.005%). This sequence change replaces valine, which is neutral and non-polar, with isoleucine, which is neutral and non-polar, at codon 436 of the BCOR protein (p.Val436Ile).